The following is an entry in ClinVar:

ClinVar aggregate classification (germline): Likely benign. Review status: criteria provided, multiple submitters, no conflicts (2 of 4 stars). 2 submissions from 2 submitters: Likely benign (2). Last evaluated 2025-04-01.

Conditions:
Catecholaminergic polymorphic ventricular tachycardia (CVPT). Also called: Catecholamine-induced polymorphic ventricular tachycardia. Identifiers: Orphanet 3286, MedGen C5574922, MONDO:0017990.
Catecholaminergic polymorphic ventricular tachycardia 1. Also called: VENTRICULAR TACHYCARDIA, CATECHOLAMINERGIC POLYMORPHIC, 1, WITH OR WITHOUT ATRIAL DYSFUNCTION AND/OR DILATED CARDIOMYOPATHY; RYR2-Related Catecholaminergic Polymorphic Ventricular Tachycardia; VENTRICULAR TACHYCARDIA, STRESS-INDUCED POLYMORPHIC 1. Identifiers: Orphanet 3286, MedGen C1631597, MONDO:0011484, OMIM 604772.

Allele frequency attached by ClinVar (database versions not stated): gnomAD exomes 0.00001; ExAC 0.00004.
gnomAD v4.1: 8 of 1,606,180 alleles (0.0005%); highest among the groups gnomAD compares: Non-Finnish European, 0.000085%; no homozygotes.

Submissions (2):

Labcorp Genetics (formerly Invitae), Labcorp
Classification: Likely benign for Catecholaminergic polymorphic ventricular tachycardia 1. Last evaluated: 2025-04-01. Review status: criteria provided, single submitter. Criteria: Invitae Variant Classification Sherloc (09022015). Collection method: clinical testing. Allele origin: germline.

All of Us Research Program, National Institutes of Health
Classification: Likely benign for Catecholaminergic polymorphic ventricular tachycardia. Last evaluated: 2023-05-30. Review status: criteria provided, single submitter. Criteria: ACMG Guidelines, 2015. Collection method: clinical testing. Allele origin: germline. Inheritance: Autosomal dominant inheritance. Observed: 1 variant allele, 1 heterozygote.
Comment: This study involves interpretation of variants in research participants for the purpose of population health screening. Participant phenotype was not available at the time of variant classification. Additional details can be found in publication PMID: 35346344, PMCID: PMC8962531

NM_001035.3(RYR2):c.7116-12C>T

Gene: RYR2 (ryanodine receptor 2; plus strand). Cytogenetic location: 1q43.
Variant type: single nucleotide variant.
Coding change: c.7116-12C>T on transcript NM_001035.3 (MANE Select); 12 bases into the intron before coding-DNA position 7116, C replaced by T.
Molecular consequence: intron variant.
Genome position (GRCh38, 1-based): chr1:237,640,885, C>T. VCF-style: chr1-237640885-C-T. GRCh37 (hg19) VCF-style: chr1-237804185-C-T.
Identifiers: ClinVar variation 3071363 (VCV003071363.2), dbSNP rs751106846, ClinGen allele CA087299.